The following is an entry in ClinVar:

NM_004655.4(AXIN2):c.1348C>T (p.Pro450Ser)

Gene: AXIN2 (axin 2; minus strand). Cytogenetic location: 17q24.1.
Variant type: single nucleotide variant.
Coding change: c.1348C>T on transcript NM_004655.4 (MANE Select); coding-DNA position 1348, C replaced by T.
Protein change: p.Pro450Ser; replaces proline 450 with serine.
Molecular consequence: missense variant.
Genome position (GRCh38, 1-based): chr17:65,537,688, G>A on the plus strand (C>T on the coding strand, the complement: AXIN2 is on the minus strand). VCF-style: chr17-65537688-G-A. GRCh37 (hg19) VCF-style: chr17-63533806-G-A.
Other names: c.1348C>T, p.Pro450Ser (NM_001363813.1); short protein forms P450S.
Identifiers: ClinVar variation 2127587 (VCV002127587.5), dbSNP rs2509416400, ClinGen allele CA400677677.

ClinVar aggregate classification (germline): Uncertain significance. Review status: criteria provided, multiple submitters, no conflicts (2 of 4 stars). 2 submissions from 2 submitters: Uncertain significance (2). Last evaluated 2026-07-07.

Conditions:
Hereditary cancer-predisposing syndrome. Also called: Tumor predisposition; Hereditary Cancer Syndrome; Hereditary neoplastic syndrome; Neoplastic Syndromes, Hereditary. Identifiers: Orphanet 140162, MedGen C0027672, MeSH D009386, MONDO:0015356.
Oligodontia-cancer predisposition syndrome. Also called: TOOTH AGENESIS-COLORECTAL CANCER SYNDROME. Identifiers: Orphanet 300576, MedGen C1837750, MONDO:0012075, OMIM 608615. Disease mechanism: loss of function.

Submissions (2):

Ambry Genetics
Classification: Uncertain significance for Hereditary cancer-predisposing syndrome. Last evaluated: 2026-07-07. Review status: criteria provided, single submitter. Criteria: Ambry Variant Classification Scheme 2023. Collection method: clinical testing. Allele origin: germline.
Comment: The p.P450S variant (also known as c.1348C>T), located in coding exon 5 of the AXIN2 gene, results from a C to T substitution at nucleotide position 1348. The proline at codon 450 is replaced by serine, an amino acid with similar properties. This amino acid position is conserved. In addition, the in silico prediction for this alteration is inconclusive. Based on the available evidence, the clinical significance of this variant remains unclear.

Labcorp Genetics (formerly Invitae), Labcorp
Classification: Uncertain significance for Oligodontia-cancer predisposition syndrome. Last evaluated: 2024-07-31. Review status: criteria provided, single submitter. Criteria: Invitae Variant Classification Sherloc (09022015). Collection method: clinical testing. Allele origin: germline.
Comment: This sequence change replaces proline, which is neutral and non-polar, with serine, which is neutral and polar, at codon 450 of the AXIN2 protein (p.Pro450Ser). This variant is not present in population databases (gnomAD no frequency). This variant has not been reported in the literature in individuals affected with AXIN2-related conditions. ClinVar contains an entry for this variant (Variation ID: 2127587). Advanced modeling of protein sequence and biophysical properties (such as structural, functional, and spatial information, amino acid conservation, physicochemical variation, residue mobility, and thermodynamic stability) performed at Invitae indicates that this missense variant is not expected to disrupt AXIN2 protein function with a negative predictive value of 80%. In summary, the available evidence is currently insufficient to determine the role of this variant in disease. Therefore, it has been classified as a Variant of Uncertain Significance.